The following is an entry in ClinVar:

NM_014875.3(KIF14):c.2354_2355del (p.Lys785fs)

Gene: KIF14 (kinesin family member 14; minus strand). Cytogenetic location: 1q32.1.
Variant type: Deletion.
Coding change: c.2354_2355del on transcript NM_014875.3 (MANE Select); coding-DNA positions 2354 to 2355, 2 bases deleted (AA; older notation c.2354_2355delAA).
Protein change: p.Lys785fs; shifts the reading frame from lysine 785.
Molecular consequence: frameshift variant.
Genome position (GRCh38, 1-based): chr1:200,600,059-200,600,060, TT deleted on the plus strand (AA on the coding strand, the reverse complement: KIF14 is on the minus strand); deleting any 2 consecutive bases within chr1:200,600,059-200,600,062 gives the same sequence; the c. name uses the placement nearest the transcript's 3' end. VCF-style (leftmost placement, unchanged base first): chr1-200600058-CTT-C. GRCh37 (hg19) VCF-style: chr1-200569186-CTT-C.
Other names: c.881_882del, p.Lys294fs (NM_001305792.1); short protein forms K294fs, K785fs.
Identifiers: ClinVar variation 2573572 (VCV002573572.1), dbSNP rs1558080206, ClinGen allele CA528306295.
Genomic context (GRCh38, chr1:200,600,058, plus strand): 5'-TCTTGGCATATTTCTTTTATTTTCTAATCAGTTTAGAAAGTTGAAATAATACCTGTAACT[CTT>C]TTGTTTCTTGAAGTTTTCTTTTTTCAGCTTGTTCAAACTTTTCTTTCCACACTCTTTCCA-3'

ClinVar aggregate classification (germline): Pathogenic (1 of 4 stars; one submission).

Conditions:
Microcephaly 20, primary, autosomal recessive. Identifiers: MedGen C4693572, MONDO:0054761, OMIM 617914.

Submission:

Women's Health and Genetics/Laboratory Corporation of America, LabCorp
Classification: Pathogenic for Microcephaly 20, primary, autosomal recessive. Last evaluated: 2023-06-01. Review status: criteria provided, single submitter. Criteria: LabCorp Variant Classification Summary - May 2015. Collection method: clinical testing. Allele origin: germline.
Comment: Variant summary: KIF14 c.2354_2355delAA (p.Lys785ArgfsX20) results in a premature termination codon, predicted to cause a truncation of the encoded protein or absence of the protein due to nonsense mediated decay, which are commonly known mechanisms for disease. The variant allele was found at a frequency of 4.2e-06 in 240584 control chromosomes. To our knowledge, no occurrence of c.2354_2355delAA in individuals affected with Microcephaly 20, Primary, Autosomal Recessive and no experimental evidence demonstrating its impact on protein function have been reported. No clinical diagnostic laboratories have submitted clinical-significance assessments for this variant to ClinVar after 2014. Based on the evidence outlined above, the variant was classified as pathogenic.